The following is an entry in ClinVar:

NM_005477.3(HCN4):c.229A>G (p.Ser77Gly)

Gene: HCN4 (hyperpolarization activated cyclic nucleotide gated potassium channel 4; minus strand). Cytogenetic location: 15q24.1.
Variant type: single nucleotide variant.
Coding change: c.229A>G on transcript NM_005477.3 (MANE Select); coding-DNA position 229, A replaced by G.
Protein change: p.Ser77Gly; replaces serine 77 with glycine.
Molecular consequence: missense variant.
Genome position (GRCh38, 1-based): chr15:73,368,042, T>C on the plus strand (A>G on the coding strand, the complement: HCN4 is on the minus strand). VCF-style: chr15-73368042-T-C. GRCh37 (hg19) VCF-style: chr15-73660383-T-C.
Other names: short protein forms S77G.
Identifiers: ClinVar variation 3524251 (VCV003524251.1).

ClinVar aggregate classification (germline): Uncertain significance (1 of 4 stars; one submission).

Conditions:
Cardiovascular phenotype. Identifiers: MedGen CN230736.

Submission:

Ambry Genetics
Classification: Uncertain significance for Cardiovascular phenotype. Last evaluated: 2024-07-24. Review status: criteria provided, single submitter. Criteria: Ambry Variant Classification Scheme 2023. Collection method: clinical testing. Allele origin: germline.
Comment: The p.S77G variant (also known as c.229A>G), located in coding exon 1 of the HCN4 gene, results from an A to G substitution at nucleotide position 229. The serine at codon 77 is replaced by glycine, an amino acid with similar properties. This amino acid position is not well conserved in available vertebrate species. In addition, this alteration is predicted to be tolerated by in silico analysis. Based on the available evidence, the clinical significance of this variant remains unclear.